The following is an entry in ClinVar:

NM_001171.6(ABCC6):c.2068G>T (p.Glu690Ter)

Gene: ABCC6 (ATP binding cassette subfamily C member 6; minus strand). Cytogenetic location: 16p13.11.
Variant type: single nucleotide variant.
Coding change: c.2068G>T on transcript NM_001171.6 (MANE Select); coding-DNA position 2068, G replaced by T.
Protein change: p.Glu690Ter; replaces glutamic acid 690 with a stop codon.
Molecular consequence: nonsense. On other transcripts: non-coding transcript variant (1).
Genome position (GRCh38, 1-based): chr16:16,182,806, C>A on the plus strand (G>T on the coding strand, the complement: ABCC6 is on the minus strand). VCF-style: chr16-16182806-C-A. GRCh37 (hg19) VCF-style: chr16-16276663-C-A.
Other names: c.1726G>T, p.Glu576Ter (NM_001351800.1); short protein forms E576*, E690*.
Identifiers: ClinVar variation 2808556 (VCV002808556.3), dbSNP rs773604010, ClinGen allele CA394888608.
Genomic context (GRCh38, chr16:16,182,806, plus strand): 5'-AGGAAGTGGGACTTTCAGGATGGGGACATCCTAGCAGACAGGCTGGGGGTGGCCTCACCT[C>A]GATGCTCACGAACCCCTCCACCTTTGACAGCTCCCCAAGGAGGGCGGACAGCAGGGAGGA-3'

ClinVar aggregate classification (germline): Pathogenic (1 of 4 stars; one submission).

Submission:

Labcorp Genetics (formerly Invitae), Labcorp
Classification: Pathogenic. Last evaluated: 2022-10-14. Review status: criteria provided, single submitter. Criteria: Invitae Variant Classification Sherloc (09022015). Collection method: clinical testing. Allele origin: germline.
Comment: This variant has not been reported in the literature in individuals affected with ABCC6-related conditions. Algorithms developed to predict the effect of sequence changes on RNA splicing suggest that this variant may disrupt the consensus splice site. For these reasons, this variant has been classified as Pathogenic. This variant is not present in population databases (gnomAD no frequency). This sequence change creates a premature translational stop signal (p.Glu690*) in the ABCC6 gene. It is expected to result in an absent or disrupted protein product. Loss-of-function variants in ABCC6 are known to be pathogenic (PMID: 11536079, 17617515).

Literature cited by the submitters: PubMed 11536079; PubMed 17617515.